The following is an entry in ClinVar:

NM_001735.3(C5):c.873+8G>A

Gene: C5 (complement C5; minus strand). Cytogenetic location: 9q33.2.
Variant type: single nucleotide variant.
Coding change: c.873+8G>A on transcript NM_001735.3 (MANE Select); 8 bases into the intron after coding-DNA position 873, G replaced by A.
Molecular consequence: intron variant.
Genome position (GRCh38, 1-based): chr9:121,027,152, C>T on the plus strand (G>A on the coding strand, the complement: C5 is on the minus strand). VCF-style: chr9-121027152-C-T. GRCh37 (hg19) VCF-style: chr9-123789430-C-T.
Other names: c.873+8G>A (NM_001735.2, NM_001317164.2); c.891+8G>A (NM_001317163.2).
Identifiers: ClinVar variation 1662599 (VCV001662599.10), dbSNP rs752630692, ClinGen allele CA5218259.

ClinVar aggregate classification (germline): Likely benign. Review status: criteria provided, single submitter (1 of 4 stars). 2 submissions from 2 submitters: Likely benign (1). 1 of the submissions does not count toward it. Last evaluated 2024-03-12.

Conditions:
C5-related disorder. Also called: C5-related condition.

Allele frequency attached by ClinVar (database versions not stated): gnomAD 0.00001; gnomAD exomes 0.00003 and 0.00010; ExAC 0.00021.
gnomAD v4.1: 47 of 1,453,448 alleles (0.0032%); highest among the groups gnomAD compares: South Asian, 0.046%; no homozygotes.

Submissions (2):

Labcorp Genetics (formerly Invitae), Labcorp
Classification: Likely benign. Last evaluated: 2024-03-12. Review status: criteria provided, single submitter. Criteria: Invitae Variant Classification Sherloc (09022015). Collection method: clinical testing. Allele origin: germline.

PreventionGenetics, part of Exact Sciences
Classification: Likely benign for C5-related condition. Last evaluated: 2019-11-16. Review status: no assertion criteria provided. Collection method: clinical testing. Allele origin: germline. Not counted in ClinVar's aggregate classification.
Comment: This variant is classified as likely benign based on ACMG/AMP sequence variant interpretation guidelines (Richards et al. 2015 PMID: 25741868, with internal and published modifications).